The following is an entry in ClinVar:

ClinVar aggregate classification (germline): Uncertain significance (1 of 4 stars; one submission).

Submission:

Labcorp Genetics (formerly Invitae), Labcorp
Classification: Uncertain significance. Last evaluated: 2025-02-16. Review status: criteria provided, single submitter. Criteria: Invitae Variant Classification Sherloc (09022015). Collection method: clinical testing. Allele origin: germline.
Comment: This sequence change creates a premature translational stop signal (p.Glu1354Glyfs*12) in the CACNA1D gene. It is expected to result in an absent or disrupted protein product. However, the current clinical and genetic evidence is not sufficient to establish whether loss-of-function variants in CACNA1D cause disease. This variant is not present in population databases (gnomAD no frequency). This variant has not been reported in the literature in individuals affected with CACNA1D-related conditions. Algorithms developed to predict the effect of sequence changes on RNA splicing suggest that this variant may disrupt the consensus splice site. In summary, the available evidence is currently insufficient to determine the role of this variant in disease. Therefore, it has been classified as a Variant of Uncertain Significance.

NM_001128840.3(CACNA1D):c.4000dup (p.Glu1334fs)

Gene: CACNA1D (calcium voltage-gated channel subunit alpha1 D; plus strand). Cytogenetic location: 3p21.1.
Variant type: Duplication.
Coding change: c.4000dup on transcript NM_001128840.3 (MANE Select); coding-DNA position 4000, one base duplicated (G; older notation c.4000dupG).
Protein change: p.Glu1334fs; shifts the reading frame from glutamic acid 1334.
Molecular consequence: frameshift variant.
Genome position (GRCh38, 1-based): chr3:53,770,508, G duplicated; the last of 6 consecutive G bases (chr3:53,770,503-53,770,508); duplicating any one gives the same sequence. VCF-style (leftmost placement, unchanged base first): chr3-53770502-A-AG. GRCh37 (hg19) VCF-style: chr3-53804529-A-AG.
Other names: c.4060dup, p.Glu1354fs (NM_000720.4); c.3955dup, p.Glu1319fs (NM_001128839.3); short protein forms E1334fs, E1354fs, E1319fs.
Identifiers: ClinVar variation 4713183 (VCV004713183.1).